The following is an entry in ClinVar:

ClinVar aggregate classification (germline): Benign (3 of 4 stars; one submission).

Conditions:
Breast-ovarian cancer, familial, susceptibility to, 1 (BROVCA1). Also called: BRCA1 Hereditary Breast and Ovarian Cancer; OVARIAN CANCER, SUSCEPTIBILITY TO. Identifiers: Orphanet 145, MedGen C2676676, MONDO:0011450, OMIM 604370. Disease mechanism: loss of function.

Allele frequency attached by ClinVar (database versions not stated): gnomAD 0.01492 and 0.01583; TOPMed 0.01728; 1000 Genomes Project 0.01817; 1000 Genomes Project 30x 0.01936.
gnomAD v4.1: 2,245 of 152,176 alleles (1.5%); highest among the groups gnomAD compares: African/African-American, 5.1%; 48 homozygotes.

Submission:

Evidence-based Network for the Interpretation of Germline Mutant Alleles (ENIGMA)
Classification: Benign for Breast-ovarian cancer, familial 1. Last evaluated: 2015-01-12. Review status: reviewed by expert panel. Criteria: ENIGMA BRCA1/2 Classification Criteria (2015). Collection method: curation. Allele origin: germline.
Comment: Class 1 not pathogenic based on frequency >1% in an outbred sampleset. Frequency 0.05285 (African), derived from 1000 genomes (2012-04-30).

NM_007294.4(BRCA1):c.81-802G>A

Gene: BRCA1 (BRCA1 DNA repair associated; minus strand). Cytogenetic location: 17q21.31.
Variant type: single nucleotide variant.
Coding change: c.81-802G>A on transcript NM_007294.4 (MANE Select); 802 bases into the intron before coding-DNA position 81, G replaced by A.
Molecular consequence: intron variant.
Genome position (GRCh38, 1-based): chr17:43,116,581, C>T on the plus strand (G>A on the coding strand, the complement: BRCA1 is on the minus strand). VCF-style: chr17-43116581-C-T. GRCh37 (hg19) VCF-style: chr17-41268598-C-T.
Other names: IVS 2-802G>A; c.81-802G>A (NM_001407581.1, NM_001408422.1, NM_001407874.1 and 191 more transcripts); c.-339-802G>A (NM_001407965.1); c.-177-802G>A (NM_001407930.1, NM_001407843.1, NM_001408456.1 and 13 more transcripts); c.-181-802G>A (NM_001408465.1, NM_001407695.1); c.-108-802G>A (NM_001408482.1, NM_001407954.1, NM_001407896.1 and 52 more transcripts); c.-61-802G>A (NM_001407920.1, NM_001408504.1, NM_001408463.1 and 47 more transcripts); c.-8+4977G>A (NM_001407751.1, NM_001407726.1); and 12 more.
Identifiers: ClinVar variation 209539 (VCV000209539.2), dbSNP rs8074462, ClinGen allele CA276508.